The following is an entry in ClinVar:

ClinVar aggregate classification (germline): Likely benign. Review status: criteria provided, multiple submitters, no conflicts (2 of 4 stars). 2 submissions from 2 submitters: Likely benign (2). Last evaluated 2024-01-01.

Allele frequency attached by ClinVar (database versions not stated): ExAC 0.00015; gnomAD 0.00015 and 0.00016; 1000 Genomes Project 30x 0.00016; gnomAD exomes 0.00016; 1000 Genomes Project 0.00020; TOPMed 0.00022; ESP Exome Variant Server 0.00046.
gnomAD v4.1: 110 of 1,613,096 alleles (0.0068%); highest among the groups gnomAD compares: African/African-American, 0.045%; 1 homozygote.

Submissions (2):

CeGaT Center for Human Genetics Tuebingen
Classification: Likely benign. Last evaluated: 2024-01-01. Review status: criteria provided, single submitter. Criteria: CeGaT Center For Human Genetics Tuebingen Variant Classification Criteria Version 2. Collection method: clinical testing. Allele origin: germline. Affected: yes. Observed: 1 variant allele.
Comment: HNMT: BP4, BP7

Labcorp Genetics (formerly Invitae), Labcorp
Classification: Likely benign. Last evaluated: 2018-02-20. Review status: criteria provided, single submitter. Criteria: Invitae Variant Classification Sherloc (09022015). Collection method: clinical testing. Allele origin: germline.

NM_006895.3(HNMT):c.558C>T (p.Tyr186=)

Gene: HNMT (histamine N-methyltransferase; plus strand). Cytogenetic location: 2q22.1.
Variant type: single nucleotide variant.
Coding change: c.558C>T on transcript NM_006895.3 (MANE Select); coding-DNA position 558, C replaced by T.
Protein change: p.Tyr186=; no amino-acid change (tyrosine 186 retained).
Molecular consequence: synonymous variant.
Genome position (GRCh38, 1-based): chr2:138,013,809, C>T. VCF-style: chr2-138013809-C-T. GRCh37 (hg19) VCF-style: chr2-138771379-C-T.
Identifiers: ClinVar variation 729712 (VCV000729712.25), dbSNP rs143554428, ClinGen allele CA1891813.